The following is an entry in ClinVar:

ClinVar aggregate classification (germline): Likely pathogenic (1 of 4 stars; one submission).

Conditions:
COL2A1-related disorder. Also called: COL2A1-related condition; COL2A1-related disorders.

Submission:

PreventionGenetics, part of Exact Sciences
Classification: Likely pathogenic for COL2A1-related condition. Last evaluated: 2022-08-21. Review status: criteria provided, single submitter. Criteria: ACMG Guidelines, 2015. Collection method: clinical testing. Allele origin: germline.
Comment: The COL2A1 c.1834-1G>A variant is predicted to disrupt the AG splice acceptor site and interfere with normal splicing. To our knowledge, this variant has not been reported in the literature or in a large population database, indicating this variant is rare. Variants that disrupt the consensus splice acceptor site in COL2A1 are expected to be pathogenic. This variant is interpreted as likely pathogenic.

NM_001844.5(COL2A1):c.1834-1G>A

Gene: COL2A1 (collagen type II alpha 1 chain; minus strand). Cytogenetic location: 12q13.11.
Variant type: single nucleotide variant.
Coding change: c.1834-1G>A on transcript NM_001844.5 (MANE Select); the canonical splice acceptor site of the intron before coding-DNA position 1834, G replaced by A.
Molecular consequence: splice acceptor variant.
Genome position (GRCh38, 1-based): chr12:47,984,600, C>T on the plus strand (G>A on the coding strand, the complement: COL2A1 is on the minus strand). VCF-style: chr12-47984600-C-T. GRCh37 (hg19) VCF-style: chr12-48378383-C-T.
Other names: c.1627-1G>A (NM_033150.3).
Identifiers: ClinVar variation 2636251 (VCV002636251.1), dbSNP rs2540143322, ClinGen allele CA384549607.